The following is an entry in ClinVar:

ClinVar aggregate classification (germline): Likely benign. Review status: criteria provided, multiple submitters, no conflicts (2 of 4 stars). 4 submissions from 4 submitters: Likely benign (3). 1 of the submissions does not count toward it. Last evaluated 2024-11-23.

Conditions:
ASXL1-related disorder. Also called: ASXL1-related condition; ASXL1-related disorders.
Inborn genetic diseases. Identifiers: MedGen C0950123, MeSH D030342.

Allele frequency attached by ClinVar (database versions not stated): gnomAD 0.00002; gnomAD exomes 0.00002; TOPMed 0.00002; ExAC 0.00004; 1000 Genomes Project 30x 0.00016; 1000 Genomes Project 0.00020.
gnomAD v4.1: 27 of 1,608,820 alleles (0.0017%); highest among the groups gnomAD compares: Middle Eastern, 0.033%; no homozygotes.

Submissions (4):

Ambry Genetics
Classification: Likely benign for Inborn genetic diseases. Last evaluated: 2024-11-23. Review status: criteria provided, single submitter. Criteria: Ambry Variant Classification Scheme 2023. Collection method: clinical testing. Allele origin: germline.

Blueprint Genetics
Classification: Likely benign. Last evaluated: 2024-11-06. Review status: criteria provided, single submitter. Criteria: ACMG Guidelines, 2015. Collection method: clinical testing. Allele origin: germline.

Labcorp Genetics (formerly Invitae), Labcorp
Classification: Likely benign. Last evaluated: 2023-10-25. Review status: criteria provided, single submitter. Criteria: Invitae Variant Classification Sherloc (09022015). Collection method: clinical testing. Allele origin: germline.

PreventionGenetics, part of Exact Sciences
Classification: Likely benign for ASXL1-related condition. Last evaluated: 2023-05-25. Review status: no assertion criteria provided. Collection method: clinical testing. Allele origin: germline. Not counted in ClinVar's aggregate classification.
Comment: This variant is classified as likely benign based on ACMG/AMP sequence variant interpretation guidelines (Richards et al. 2015 PMID: 25741868, with internal and published modifications).

NM_015338.6(ASXL1):c.1920C>T (p.Ala640=)

Gene: ASXL1 (ASXL transcriptional regulator 1; plus strand). Cytogenetic location: 20q11.21.
Variant type: single nucleotide variant.
Coding change: c.1920C>T on transcript NM_015338.6 (MANE Select); coding-DNA position 1920, C replaced by T.
Protein change: p.Ala640=; no amino-acid change (alanine 640 retained).
Molecular consequence: synonymous variant.
Genome position (GRCh38, 1-based): chr20:32,434,632, C>T. VCF-style: chr20-32434632-C-T. GRCh37 (hg19) VCF-style: chr20-31022435-C-T.
Other names: c.1737C>T, p.Ala579= (NM_001363734.1).
Identifiers: ClinVar variation 2714715 (VCV002714715.7), dbSNP rs532924267, ClinGen allele CA9808487.